The following is an entry in ClinVar:

ClinVar aggregate classification (germline): Pathogenic/Likely pathogenic. Review status: criteria provided, multiple submitters, no conflicts (2 of 4 stars). 12 submissions from 11 submitters: Pathogenic (7); Likely pathogenic (1). 4 of the submissions do not count toward it. Last evaluated 2024-09-22.

Conditions:
Autosomal recessive nonsyndromic hearing loss 2. Also called: NEUROSENSORY NONSYNDROMIC RECESSIVE DEAFNESS 2; DEAFNESS, AUTOSOMAL RECESSIVE 2. Identifiers: Orphanet 90636, MedGen C1838701, MONDO:0010807, OMIM 600060.
Rare genetic deafness. Identifiers: Orphanet 96210, MedGen C5680250.
Retinal dystrophy. Also called: Inherited retinal dystrophy. Identifiers: Orphanet 71862, MedGen C0854723, MeSH D058499, MONDO:0019118, HP:0000556.
Autosomal dominant nonsyndromic hearing loss 11. Identifiers: Orphanet 90635, MedGen C1832475, MONDO:0011032, OMIM 601317.
Usher syndrome type 1 (USH1). Also called: RETINITIS PIGMENTOSA AND CONGENITAL DEAFNESS. Identifiers: Orphanet 231169, Orphanet 886, MedGen C1568247, MONDO:0010168, OMIM 276900.
Usher syndrome type 1B (USH1B). Also called: Usher syndrome type IB. Identifiers: MedGen C1848638, MONDO:0700087.
MYO7A-related disorder. Also called: MYO7A-related disorders.

Allele frequency attached by ClinVar (database versions not stated): gnomAD exomes below 0.00001 and 0.00001; TOPMed 0.00001; gnomAD 0.00002; ExAC 0.00003; ESP Exome Variant Server 0.00008.
gnomAD v4.1: 9 of 1,613,572 alleles (0.00056%); highest among the groups gnomAD compares: South Asian, 0.0022%; no homozygotes.

Submissions (12):

Victorian Clinical Genetics Services, Murdoch Childrens Research Institute
Classification: Pathogenic for Usher syndrome type 1. Last evaluated: 2024-09-22. Review status: criteria provided, single submitter. Criteria: ACMG Guidelines, 2015. Collection method: clinical testing. Allele origin: germline. Inheritance: Autosomal recessive inheritance. Affected: yes.
Comment: Based on the classification scheme VCGS_Germline_v1.3.4, this variant is classified as Pathogenic. Following criteria are met: 0102 - Loss of function is a known mechanism of disease in this gene and is associated with deafness autosomal dominant 11 (MIM#601317), deafness autosomal recessive 2 (MIM#600060) and Usher syndrome, type 1B (MIM#276900). In addition, dominant negative is the suggested mechanism for missense variants in autosomal dominant inheritance (OMIM, PMID: 23383098). (I) 0108 - This gene is associated with both recessive and dominant disease. While the genotype-phenotype correlation is unestablished, missense variants causing autosomal dominant inheritance are rare and are not localised to a specific protein region (OMIM). (I) 0201 - Variant is predicted to cause nonsense-mediated decay (NMD) and loss of protein (premature termination codon is located at least 54 nucleotides upstream of the final exon-exon junction). (SP) 0251 - This variant is heterozygous. (I) 0304 - Variant is present in gnomAD (v2, v3) <0.01 (3 heterozygotes, 0 homozygotes). (SP) 0701 - Other NMD-predicted variants comparable to the one identified in this case have very strong previous evidence for pathogenicity (DECIPHER). (SP) 0801 - This variant has strong previous evidence of pathogenicity in unrelated individuals. This variant has been reported several times as pathogenic and likely pathogenic, and observed in homozygous and compound heterozygous individuals, with one referrer specifying the individual was affected with Usher syndrome (ClinVar). (SP) 1201 - Heterozygous variant detected in trans with a second pathogenic heterozygous variant (NM_000260.3(MYO7A):c.496del; p.(Glu166Argfs*5)) in a recessive disease. (I) Legend: (SP) - Supporting pathogenic, (I) - Information, (SB) - Supporting benign

Fulgent Genetics
Classification: Pathogenic for Usher syndrome type 1; Autosomal recessive nonsyndromic hearing loss 2; Autosomal dominant nonsyndromic hearing loss 11. Last evaluated: 2024-03-19. Review status: criteria provided, single submitter. Criteria: ACMG Guidelines, 2015. Collection method: clinical testing. Allele origin: germline.

Laboratory of Medical Genetics, National & Kapodistrian University of Athens
Classification: Pathogenic for Autosomal recessive nonsyndromic hearing loss 2. Last evaluated: 2024-02-01. Review status: criteria provided, single submitter. Criteria: ACMG Guidelines, 2015. Collection method: curation. Allele origin: germline. Affected: no.

Labcorp Genetics (formerly Invitae), Labcorp
Classification: Pathogenic. Last evaluated: 2023-12-27. Review status: criteria provided, single submitter. Criteria: Invitae Variant Classification Sherloc (09022015). Collection method: clinical testing. Allele origin: germline.
Comment: This sequence change creates a premature translational stop signal (p.Arg1967*) in the MYO7A gene. It is expected to result in an absent or disrupted protein product. Loss-of-function variants in MYO7A are known to be pathogenic (PMID: 8900236, 25404053). The frequency data for this variant in the population databases is considered unreliable, as metrics indicate poor data quality at this position in the gnomAD database. This premature translational stop signal has been observed in individual(s) with clinical features of Usher syndrome (PMID: 23770805). It has also been observed to segregate with disease in related individuals. ClinVar contains an entry for this variant (Variation ID: 178495). Algorithms developed to predict the effect of sequence changes on RNA splicing suggest that this variant may disrupt the consensus splice site. For these reasons, this variant has been classified as Pathogenic.

Blueprint Genetics
Classification: Pathogenic for MYO7A-related disorders. Last evaluated: 2023-12-22. Review status: criteria provided, single submitter. Criteria: ACMG Guidelines, 2015. Collection method: clinical testing. Allele origin: germline. Affected: yes. Observed: 2 variant alleles.

GeneDx
Classification: Pathogenic. Last evaluated: 2020-10-15. Review status: criteria provided, single submitter. Criteria: GeneDx Variant Classification Process June 2021. Collection method: clinical testing. Allele origin: germline. Affected: yes.
Comment: Nonsense variant predicted to result in protein truncation or nonsense mediated decay in a gene for which loss-of-function is a known mechanism of disease; This variant is associated with the following publications: (PMID: 27941802, 26872967, 27208204, 25468891, 23770805, 27460420, 29048421)

Illumina Laboratory Services, Illumina
Classification: Likely pathogenic for MYO7A-Related Disorders. Last evaluated: 2016-06-14. Review status: criteria provided, single submitter. Criteria: ICSL Variant Classification 20161018. Collection method: clinical testing. Allele origin: germline.
Comment: The c.5899C>T (p.Arg1967Ter) stop-gained variant has been reported in three studies in patients with Usher syndrome and is found in four affected siblings from a consanguineous family in a homozygous state, in one patient in a compound heterozygous state, and in one patient in a heterozygous state who also carried a second missense variant, but the phase is unknown (Shahzad et al. 2013; Bujakowska et al. 2014; Ellingford et al. 2016). The variant is also found in one unaffected parent in a heterozygous state (Bujakowska et al. 2014). One affected relative from the extended consanguineous family did not carry the p.Arg1967Ter variant. The variant was absent from 190 controls (Shahzad et al. 2013) but is reported at a frequency of 0.00005 in the European (Non-Finnish) population of the Exome Aggregation Consortium. Based on the evidence in the literature and the potential impact of stop-gained variants, the p.Arg1967Ter variant is classified as likely pathogenic for MYO7A-related disorders.

Laboratory for Molecular Medicine, Mass General Brigham Personalized Medicine
Classification: Pathogenic for Rare genetic deafness. Last evaluated: 2014-07-14. Review status: criteria provided, single submitter. Criteria: LMM Criteria. Collection method: clinical testing. Allele origin: germline. Inheritance: Autosomal recessive inheritance. Observed: 2 variant alleles.
Comment: The Arg1967X variant in MYO7A has been previously reported in one individual wit h Usher syndrome who was homozygous, and three affected family members were also found to be homozygous for the variant (Shahzad 2013). This variant has also be en identified in 1/8354 European American chromosomes by the NHLBI Exome Sequenc ing Project (dbSNP rs376764423). Although this var iant has been seen in the general population, its frequency is low enough to be consistent with a recessive carrier frequency. This nonsense variant leads to a premature termination codon at position 1967, which is predicted to lead to a tr uncated or absent protein. In summary, this variant meets our criteria to be cla ssified as pathogenic.

Natera, Inc.
Classification: Pathogenic for Usher syndrome type 1B. Last evaluated: 2021-01-20. Review status: no assertion criteria provided. Collection method: clinical testing. Allele origin: germline. Not counted in ClinVar's aggregate classification.

Counsyl
Classification: Likely pathogenic for Usher syndrome type 1. Last evaluated: 2016-11-10. Review status: no assertion criteria provided. Collection method: clinical testing. Allele origin: unknown. Not counted in ClinVar's aggregate classification.

Counsyl
Classification: Likely pathogenic for Autosomal recessive nonsyndromic hearing loss 2. Last evaluated: 2016-11-10. Review status: no assertion criteria provided. Collection method: clinical testing. Allele origin: unknown. Not counted in ClinVar's aggregate classification.

Centre for Genomic Medicine, Manchester, Central Manchester University Hospitals
Classification: Likely pathogenic for Retinal dystrophy. Review status: no assertion criteria provided. Collection method: clinical testing. Allele origin: germline. Affected: yes. Not counted in ClinVar's aggregate classification.

Literature cited by the submitters: PubMed 23383098 (cited by Victorian Clinical Genetics Services, Murdoch Childrens Research Institute); PubMed 8900236 (cited by Labcorp Genetics (formerly Invitae), Labcorp); PubMed 25404053 (cited by Labcorp Genetics (formerly Invitae), Labcorp); PubMed 23770805 (cited by 4 submitters); PubMed 25468891 (cited by Illumina Laboratory Services, Illumina); PubMed 27208204 (cited by Illumina Laboratory Services, Illumina).

NM_000260.4(MYO7A):c.5899C>T (p.Arg1967Ter)

Gene: MYO7A (myosin VIIA; plus strand). Cytogenetic location: 11q13.5.
Variant type: single nucleotide variant.
Coding change: c.5899C>T on transcript NM_000260.4 (MANE Select); coding-DNA position 5899, C replaced by T.
Protein change: p.Arg1967Ter; replaces arginine 1967 with a stop codon.
Molecular consequence: nonsense.
Genome position (GRCh38, 1-based): chr11:77,208,472, C>T. VCF-style: chr11-77208472-C-T. GRCh37 (hg19) VCF-style: chr11-76919517-C-T.
Other names: c.5785C>T, p.Arg1929Ter (NM_001127180.2); c.5752C>T, p.Arg1918Ter (NM_001369365.1); short protein forms R1967*, R1929*, R1918*.
Identifiers: ClinVar variation 178495 (VCV000178495.25), dbSNP rs376764423, ClinGen allele CA278734.